The following is an entry in ClinVar:

ClinVar aggregate classification (germline): Uncertain significance (1 of 4 stars; one submission).

gnomAD v4.1: 4 of 1,596,504 alleles (0.00025%); highest among the groups gnomAD compares: Non-Finnish European, 0.00034%; no homozygotes.

Submission:

Labcorp Genetics (formerly Invitae), Labcorp
Classification: Uncertain significance. Last evaluated: 2024-05-31. Review status: criteria provided, single submitter. Criteria: Invitae Variant Classification Sherloc (09022015). Collection method: clinical testing. Allele origin: germline.
Comment: This sequence change replaces glutamic acid, which is acidic and polar, with aspartic acid, which is acidic and polar, at codon 816 of the XPC protein (p.Glu816Asp). This variant is not present in population databases (gnomAD no frequency). This variant has not been reported in the literature in individuals affected with XPC-related conditions. Advanced modeling of protein sequence and biophysical properties (such as structural, functional, and spatial information, amino acid conservation, physicochemical variation, residue mobility, and thermodynamic stability) performed at Invitae indicates that this missense variant is expected to disrupt XPC protein function with a positive predictive value of 80%. In summary, the available evidence is currently insufficient to determine the role of this variant in disease. Therefore, it has been classified as a Variant of Uncertain Significance.

NM_004628.5(XPC):c.2448A>C (p.Glu816Asp)

Gene: XPC (XPC complex subunit, DNA damage recognition and repair factor; minus strand). Cytogenetic location: 3p25.1.
Variant type: single nucleotide variant.
Coding change: c.2448A>C on transcript NM_004628.5 (MANE Select); coding-DNA position 2448, A replaced by C.
Protein change: p.Glu816Asp; replaces glutamic acid 816 with aspartic acid.
Molecular consequence: missense variant. On other transcripts: non-coding transcript variant (2).
Genome position (GRCh38, 1-based): chr3:14,147,974, T>G on the plus strand (A>C on the coding strand, the complement: XPC is on the minus strand). VCF-style: chr3-14147974-T-G. GRCh37 (hg19) VCF-style: chr3-14189474-T-G.
Other names: c.1869A>C, p.Glu623Asp (NM_001354726.2); c.2442A>C, p.Glu814Asp (NM_001354727.2); c.2430A>C, p.Glu810Asp (NM_001354729.2); c.2202A>C, p.Glu734Asp (NM_001354730.2); short protein forms E814D, E734D, E810D, E623D, E816D.
Identifiers: ClinVar variation 3702170 (VCV003702170.2).